The following is an entry in ClinVar:

NM_030665.4(RAI1):c.3521C>T (p.Thr1174Ile)

Gene: RAI1 (retinoic acid induced 1; plus strand). Cytogenetic location: 17p11.2.
Variant type: single nucleotide variant.
Coding change: c.3521C>T on transcript NM_030665.4 (MANE Select); coding-DNA position 3521, C replaced by T.
Protein change: p.Thr1174Ile; replaces threonine 1174 with isoleucine.
Molecular consequence: missense variant.
Genome position (GRCh38, 1-based): chr17:17,796,469, C>T. VCF-style: chr17-17796469-C-T. GRCh37 (hg19) VCF-style: chr17-17699783-C-T.
Other names: short protein forms T1174I.
Identifiers: ClinVar variation 5020485 (VCV005020485.1).

ClinVar aggregate classification (germline): Uncertain significance (1 of 4 stars; one submission).

gnomAD v4.1: 4 of 1,612,202 alleles (0.00025%); highest among the groups gnomAD compares: East Asian, 0.0045%; no homozygotes.

Submission:

Dasa
Classification: Uncertain significance. Last evaluated: 2026-05-26. Review status: criteria provided, single submitter. Criteria: DASA Assertion Criteria. Collection method: clinical testing. Allele origin: germline.
Comment: NM_030665.4(RAI1):c.3521C>T (p.Thr1174Ile) is a missense variant that results in the substitution of threonine with isoleucine. This variant is rare in population databases. Computational prediction algorithms are consistent with a benign effect. The currently available literature and clinical evidence are not sufficient to establish a definitive association between this variant and the reported condition. Therefore, this variant is classified as a variant of uncertain significance.